The following is an entry in ClinVar:

ClinVar aggregate classification (germline): Likely benign (1 of 4 stars; one submission).

gnomAD v4.1: 32 of 1,612,716 alleles (0.002%); highest among the groups gnomAD compares: Admixed American, 0.025%; 1 homozygote.

Submission:

CeGaT Center for Human Genetics Tuebingen
Classification: Likely benign. Last evaluated: 2026-09-01. Review status: criteria provided, single submitter. Criteria: CeGaT Center For Human Genetics Tuebingen Variant Classification Criteria Version 2. Collection method: clinical testing. Allele origin: germline. Affected: yes. Observed: 1 variant allele.
Comment: POMGNT1: BP4, BP7

NM_017739.4(POMGNT1):c.*371T>C

Genes: POMGNT1 (protein O-linked mannose N-acetylglucosaminyltransferase 1 (beta 1,2-); minus strand), TSPAN1 (tetraspanin 1; plus strand). Cytogenetic location: 1p34.1.
Variant type: single nucleotide variant.
Coding change: c.*371T>C on transcript NM_017739.4 (MANE Select); 371 bases downstream of the stop codon, T replaced by C.
Molecular consequence: 3 prime UTR variant. On other transcripts: synonymous variant (4).
Genome position (GRCh38, 1-based): chr1:46,188,899, A>G on the plus strand (T>C on the coding strand, the complement: POMGNT1 is on the minus strand). VCF-style: chr1-46188899-A-G. GRCh37 (hg19) VCF-style: chr1-46654571-A-G.
Other names: c.2067T>C, p.Phe689= (NM_001243766.2); c.*110T>C (NM_001290129.3, NM_001290130.2); c.1977T>C, p.Phe659= (NM_001410783.1, NM_001438686.1, NM_001438688.1); c.*371T>C (NM_001437653.1, NM_001438689.1, NM_001438691.1 and 1 more transcripts).
Identifiers: ClinVar variation 5041061 (VCV005041061.1).